The following is an entry in ClinVar:

ClinVar aggregate classification (germline): Likely benign (1 of 4 stars; one submission).

Allele frequency attached by ClinVar (database versions not stated): gnomAD exomes 0.00007; ExAC 0.00022; ESP Exome Variant Server 0.00047; TOPMed 0.00057; gnomAD 0.00059; 1000 Genomes Project 30x 0.00125; 1000 Genomes Project 0.00132.
gnomAD v4.1: 138 of 1,203,987 alleles (0.011%); highest among the groups gnomAD compares: African/African-American, 0.23%; no homozygotes.

Submission:

CeGaT Center for Human Genetics Tuebingen
Classification: Likely benign. Last evaluated: 2022-04-01. Review status: criteria provided, single submitter. Criteria: CeGaT Center For Human Genetics Tuebingen Variant Classification Criteria Version 2. Collection method: clinical testing. Allele origin: germline. Affected: yes. Observed: 1 variant allele.
Comment: KLHL13: BP4, BP7

NM_001168302.2(KLHL13):c.249T>C (p.Gly83=)

Gene: KLHL13 (kelch like family member 13; minus strand). Cytogenetic location: Xq24.
Variant type: single nucleotide variant.
Coding change: c.249T>C on transcript NM_001168302.2 (MANE Select); coding-DNA position 249, T replaced by C.
Protein change: p.Gly83=; no amino-acid change (glycine 83 retained).
Molecular consequence: synonymous variant.
Genome position (GRCh38, 1-based): chrX:117,920,314, A>G on the plus strand (T>C on the coding strand, the complement: KLHL13 is on the minus strand). VCF-style: chrX-117920314-A-G. GRCh37 (hg19) VCF-style: chrX-117054277-A-G.
Other names: c.306T>C, p.Gly102= (NM_001168299.2); c.279T>C, p.Gly93= (NM_001168300.2, NM_001394864.1); c.249T>C, p.Gly83= (NM_001168301.2); c.144T>C, p.Gly48= (NM_001168303.4); c.297T>C, p.Gly99= (NM_001394863.1, NM_033495.4); c.171T>C, p.Gly57= (NM_001394866.1).
Identifiers: ClinVar variation 2661259 (VCV002661259.24), dbSNP rs140797047, ClinGen allele CA10497998.